The following is an entry in ClinVar:

NM_000400.4(ERCC2):c.1629G>C (p.Gln543His)

Gene: ERCC2 (ERCC excision repair 2, TFIIH core complex helicase subunit; minus strand). Cytogenetic location: 19q13.32.
Variant type: single nucleotide variant.
Coding change: c.1629G>C on transcript NM_000400.4 (MANE Select); coding-DNA position 1629, G replaced by C.
Protein change: p.Gln543His; replaces glutamine 543 with histidine.
Molecular consequence: missense variant.
Genome position (GRCh38, 1-based): chr19:45,354,766, C>G on the plus strand (G>C on the coding strand, the complement: ERCC2 is on the minus strand). VCF-style: chr19-45354766-C-G. GRCh37 (hg19) VCF-style: chr19-45858024-C-G.
Other names: short protein forms Q543H.
Identifiers: ClinVar variation 1776763 (VCV001776763.2), dbSNP rs1568534086, ClinGen allele CA406365286.

ClinVar aggregate classification (germline): Uncertain significance (1 of 4 stars; one submission).

Conditions:
Inborn genetic diseases. Identifiers: MedGen C0950123, MeSH D030342.

Submission:

Ambry Genetics
Classification: Uncertain significance for Inborn genetic diseases. Last evaluated: 2022-05-28. Review status: criteria provided, single submitter. Criteria: Ambry Variant Classification Scheme 2023. Collection method: clinical testing. Allele origin: germline.
Comment: The p.Q543H variant (also known as c.1629G>C), located in coding exon 17 of the ERCC2 gene, results from a G to C substitution at nucleotide position 1629. The glutamine at codon 543 is replaced by histidine, an amino acid with highly similar properties. This amino acid position is conserved. In addition, the in silico prediction for this alteration is inconclusive. Since supporting evidence is limited at this time, the clinical significance of this alteration remains unclear.